The following is an entry in ClinVar:

ClinVar aggregate classification (germline): Benign. Review status: criteria provided, multiple submitters, no conflicts (2 of 4 stars). 8 submissions from 8 submitters: Benign (6). 2 of the submissions do not count toward it. Last evaluated 2026-02-04.

Conditions:
Alkaptonuria (AKU). Also called: Alcaptonuria; Alkaptonuric ochronosis; Homogentisic acidura; HOMOGENTISIC ACID OXIDASE DEFICIENCY. Identifiers: Orphanet 56, MedGen C0002066, MONDO:0008753, OMIM 203500.

Allele frequency attached by ClinVar (database versions not stated): 1000 Genomes Project 30x 0.73048; gnomAD 0.75354 and 0.75042; gnomAD exomes 0.73957 and 0.74066; ESP Exome Variant Server 0.74342; TOPMed 0.75825; 1000 Genomes Project 0.73163; ExAC 0.73533.
gnomAD v4.1: 1,190,727 of 1,607,270 alleles (74%); highest among the groups gnomAD compares: Admixed American, 81%; 442,525 homozygotes.

Submissions (8):

Labcorp Genetics (formerly Invitae), Labcorp
Classification: Benign for Alkaptonuria. Last evaluated: 2026-02-04. Review status: criteria provided, single submitter. Criteria: Invitae Variant Classification Sherloc (09022015). Collection method: clinical testing. Allele origin: germline.

Genome-Nilou Lab
Classification: Benign for Alkaptonuria. Last evaluated: 2021-08-10. Review status: criteria provided, single submitter. Criteria: ACMG Guidelines, 2015. Collection method: clinical testing. Allele origin: germline. Affected: no.

Mayo Clinic Laboratories, Mayo Clinic
Classification: Benign. Last evaluated: 2021-02-24. Review status: criteria provided, single submitter. Criteria: ACMG Guidelines, 2015. Collection method: clinical testing. Allele origin: germline. Observed: 40 variant alleles.

Illumina Laboratory Services, Illumina
Classification: Benign for Alkaptonuria. Last evaluated: 2018-01-12. Review status: criteria provided, single submitter. Criteria: ICSL Variant Classification Criteria 13 December 2019. Collection method: clinical testing. Allele origin: germline.
Comment: This variant was observed in the ICSL laboratory as part of a predisposition screen in an ostensibly healthy population. It had not been previously curated by ICSL or reported in the Human Gene Mutation Database (HGMD: prior to June 1st, 2018), and was therefore a candidate for classification through an automated scoring system. Utilizing variant allele frequency, disease prevalence and penetrance estimates, and inheritance mode, an automated score was calculated to assess if this variant is too frequent to cause the disease. Based on the score and internal cut-off values, a variant classified as benign is not then subjected to further curation. The score for this variant resulted in a classification of benign for this disease.

Breakthrough Genomics
Classification: Benign. Review status: criteria provided, single submitter. Criteria: ACMG Guidelines, 2015. Collection method: not provided. Allele origin: germline. Inheritance: Autosomal recessive inheritance. Affected: yes.

PreventionGenetics, part of Exact Sciences
Classification: Benign. Review status: criteria provided, single submitter. Criteria: ACMG Guidelines, 2015. Collection method: clinical testing. Allele origin: germline.

Diagnostic Laboratory, Department of Genetics, University Medical Center Groningen
Classification: Benign. Review status: no assertion criteria provided. Collection method: clinical testing. Allele origin: germline. Affected: yes. Study: VKGL Data-share Consensus. Not counted in ClinVar's aggregate classification.

Joint Genome Diagnostic Labs from Nijmegen and Maastricht, Radboudumc and MUMC+
Classification: Benign. Review status: no assertion criteria provided. Collection method: clinical testing. Allele origin: germline. Affected: yes. Study: VKGL Data-share Consensus. Not counted in ClinVar's aggregate classification.

NM_000187.4(HGD):c.240A>T (p.Gln80His)

Gene: HGD (homogentisate 1,2-dioxygenase; minus strand). Cytogenetic location: 3q13.33.
Variant type: single nucleotide variant.
Coding change: c.240A>T on transcript NM_000187.4 (MANE Select); coding-DNA position 240, A replaced by T.
Protein change: p.Gln80His; replaces glutamine 80 with histidine.
Molecular consequence: missense variant.
Genome position (GRCh38, 1-based): chr3:120,670,469, T>A on the plus strand (A>T on the coding strand, the complement: HGD is on the minus strand). VCF-style: chr3-120670469-T-A. GRCh37 (hg19) VCF-style: chr3-120389316-T-A.
Other names: short protein forms Q80H.
Identifiers: ClinVar variation 255481 (VCV000255481.23), dbSNP rs2255543, ClinGen allele CA2560297.
Genomic context (GRCh38, chr3:120,670,469, plus strand): 5'-TTCACAGGACCAGGTTACCTGGTTAGGATCAGGATCAACTTCATCCCAGTTGTGAGTGAC[T>A]TGGCCTTCGTCAATGGATTCAAAGGGCTTGTGAGAAACTGAAGGTAGAATCCTATACAGC-3'
Protein context (NP_000178.2, residues 70-90): HKPFESIDEG[Gln80His]VTHNWDEVDP